The following is an entry in ClinVar:

ClinVar aggregate classification (germline): Uncertain significance (1 of 4 stars; one submission).

Submission:

Labcorp Genetics (formerly Invitae), Labcorp
Classification: Uncertain significance. Last evaluated: 2022-09-27. Review status: criteria provided, single submitter. Criteria: Invitae Variant Classification Sherloc (09022015). Collection method: clinical testing. Allele origin: germline.
Comment: In summary, the available evidence is currently insufficient to determine the role of this variant in disease. Therefore, it has been classified as a Variant of Uncertain Significance. Variants that disrupt the consensus splice site are a relatively common cause of aberrant splicing (PMID: 17576681, 9536098). Algorithms developed to predict the effect of sequence changes on RNA splicing suggest that this variant is not likely to affect RNA splicing. ClinVar contains an entry for this variant (Variation ID: 1473383). This variant has not been reported in the literature in individuals affected with ARHGEF18-related conditions. This variant is not present in population databases (gnomAD no frequency). This sequence change falls in intron 17 of the ARHGEF18 gene. It does not directly change the encoded amino acid sequence of the ARHGEF18 protein. It affects a nucleotide within the consensus splice site.

Literature cited by the submitters: PubMed 17576681; PubMed 9536098.

NM_001367823.1(ARHGEF18):c.3787+4A>G

Gene: ARHGEF18 (Rho/Rac guanine nucleotide exchange factor 18; plus strand). Cytogenetic location: 19p13.2.
Variant type: single nucleotide variant.
Coding change: c.3787+4A>G on transcript NM_001367823.1 (MANE Select); 4 bases into the intron after coding-DNA position 3787, A replaced by G.
Molecular consequence: intron variant.
Genome position (GRCh38, 1-based): chr19:7,469,135, A>G. VCF-style: chr19-7469135-A-G. GRCh37 (hg19) VCF-style: chr19-7534021-A-G.
Other names: c.2749+4A>G (NM_001367824.1, NM_015318.4); c.3061+4A>G (NM_001130955.2).
Identifiers: ClinVar variation 1473383 (VCV001473383.6), dbSNP rs2145919869, ClinGen allele CA2573155898.